The following is an entry in ClinVar:

ClinVar aggregate classification (germline): Likely benign (0 of 4 stars; one submission).

Conditions:
COL9A1-related disorder. Also called: COL9A1-related disorders; COL9A1-related condition.

Allele frequency attached by ClinVar (database versions not stated): gnomAD 0.00002; gnomAD exomes 0.00002; TOPMed 0.00002; ExAC 0.00008.
gnomAD v4.1: 14 of 1,547,342 alleles (0.0009%); highest among the groups gnomAD compares: Admixed American, 0.025%; no homozygotes.

Submission:

PreventionGenetics, part of Exact Sciences
Classification: Likely benign for COL9A1-related condition. Last evaluated: 2023-07-20. Review status: no assertion criteria provided. Collection method: clinical testing. Allele origin: germline.
Comment: This variant is classified as likely benign based on ACMG/AMP sequence variant interpretation guidelines (Richards et al. 2015 PMID: 25741868, with internal and published modifications).

NM_001851.6(COL9A1):c.781-137G>A

Gene: COL9A1 (collagen type IX alpha 1 chain; minus strand). Cytogenetic location: 6q13.
Variant type: single nucleotide variant.
Coding change: c.781-137G>A on transcript NM_001851.6 (MANE Select); 137 bases into the intron before coding-DNA position 781, G replaced by A.
Molecular consequence: intron variant. On other transcripts: 5 prime UTR variant (3), non-coding transcript variant (1).
Genome position (GRCh38, 1-based): chr6:70,283,055, C>T on the plus strand (G>A on the coding strand, the complement: COL9A1 is on the minus strand). VCF-style: chr6-70283055-C-T. GRCh37 (hg19) VCF-style: chr6-70992758-C-T.
Other names: c.-3G>A (NM_001377289.1, NM_001377290.1, NM_078485.4); c.781-137G>A (NM_001377291.1).
Identifiers: ClinVar variation 3057004 (VCV003057004.2), dbSNP rs746049599, ClinGen allele CA3882707.
Genomic context (GRCh38, chr6:70,283,055, plus strand): 5'-AGCAGAGCCCCAACAGCAGCAGCCCCAGGGCCCCGCGGTCCCGCGCAGTCCAGGCCATGC[C>T]CGCCGCCCGCCGCTAATCCCTTGGCCCGGCTCTGCAGCCTGGTTCCCCTCTAGGCTTCCA-3'